The following is an entry in ClinVar:

ClinVar aggregate classification (germline): Uncertain significance. Review status: criteria provided, multiple submitters, no conflicts (2 of 4 stars). 2 submissions from 2 submitters: Uncertain significance (2). Last evaluated 2024-02-24.

Conditions:
Autosomal recessive osteopetrosis 1. Also called: ALBERS-SCHONBERG DISEASE, AUTOSOMAL RECESSIVE; TCIRG1-Related Osteopetrosis; TCIRG1-Related Autosomal Recessive Osteopetrosis. Identifiers: Orphanet 667, MedGen C1850127, MONDO:0009815, OMIM 259700.

Allele frequency attached by ClinVar (database versions not stated): gnomAD exomes below 0.00001 and 0.00001; ExAC 0.00002; TOPMed 0.00002.

Submissions (2):

Labcorp Genetics (formerly Invitae), Labcorp
Classification: Uncertain significance. Last evaluated: 2024-02-24. Review status: criteria provided, single submitter. Criteria: Invitae Variant Classification Sherloc (09022015). Collection method: clinical testing. Allele origin: germline.
Comment: This sequence change replaces phenylalanine, which is neutral and non-polar, with isoleucine, which is neutral and non-polar, at codon 514 of the TCIRG1 protein (p.Phe514Ile). This variant is present in population databases (rs776489478, gnomAD 0.03%). This variant has not been reported in the literature in individuals affected with TCIRG1-related conditions. ClinVar contains an entry for this variant (Variation ID: 305807). Advanced modeling of protein sequence and biophysical properties (such as structural, functional, and spatial information, amino acid conservation, physicochemical variation, residue mobility, and thermodynamic stability) performed at Invitae indicates that this missense variant is not expected to disrupt TCIRG1 protein function with a negative predictive value of 80%. In summary, the available evidence is currently insufficient to determine the role of this variant in disease. Therefore, it has been classified as a Variant of Uncertain Significance.

Illumina Laboratory Services, Illumina
Classification: Uncertain significance for Autosomal recessive osteopetrosis 1. Last evaluated: 2018-01-13. Review status: criteria provided, single submitter. Criteria: ICSL Variant Classification Criteria 13 December 2019. Collection method: clinical testing. Allele origin: germline.

NM_006019.4(TCIRG1):c.1540T>A (p.Phe514Ile)

Gene: TCIRG1 (T cell immune regulator 1, ATPase H+ transporting V0 subunit a3; plus strand). Cytogenetic location: 11q13.2.
Variant type: single nucleotide variant.
Coding change: c.1540T>A on transcript NM_006019.4 (MANE Select); coding-DNA position 1540, T replaced by A.
Protein change: p.Phe514Ile; replaces phenylalanine 514 with isoleucine.
Molecular consequence: missense variant.
Genome position (GRCh38, 1-based): chr11:68,047,958, T>A. VCF-style: chr11-68047958-T-A. GRCh37 (hg19) VCF-style: chr11-67815425-T-A.
Other names: c.646T>A, p.Phe216Ile (NM_001351059.2); c.892T>A, p.Phe298Ile (NM_006053.4); short protein forms F514I, F216I, F298I.
Identifiers: ClinVar variation 305807 (VCV000305807.8), dbSNP rs776489478, ClinGen allele CA6147155.